The following is an entry in ClinVar:

NM_020937.4(FANCM):c.3281T>G (p.Leu1094Ter)

Gene: FANCM (FA complementation group M; plus strand). Cytogenetic location: 14q21.2.
Variant type: single nucleotide variant.
Coding change: c.3281T>G on transcript NM_020937.4 (MANE Select); coding-DNA position 3281, T replaced by G.
Protein change: p.Leu1094Ter; replaces leucine 1094 with a stop codon.
Molecular consequence: nonsense.
Genome position (GRCh38, 1-based): chr14:45,176,035, T>G. VCF-style: chr14-45176035-T-G. GRCh37 (hg19) VCF-style: chr14-45645238-T-G.
Other names: c.3281T>G (LRG_502t1); c.3203T>G, p.Leu1068Ter (NM_001308133.2); short protein forms L1094*, L1068*.
Identifiers: ClinVar variation 577433 (VCV000577433.8), dbSNP rs1555364837, ClinGen allele CA389600799.
Genomic context (GRCh38, chr14:45,176,035, plus strand): 5'-TTTCTGATGAGCCAAGTCTCTGTGACTGTGATGTACATAAACATAATCAAAATGAAAATT[T>G]AGTACCTAACAATCGTGTTCAAATACACAGAAGCCCTGCACAGAATTTAGTTGGAGAGAA-3'

ClinVar aggregate classification (germline): Pathogenic (1 of 4 stars; one submission).

Conditions:
Fanconi anemia (FA). Also called: Fanconi's anemia. Identifiers: Orphanet 84, MedGen C0015625, MeSH D005199, MONDO:0019391.

Allele frequency attached by ClinVar (database versions not stated): gnomAD exomes below 0.00001.
gnomAD v4.1: 6 of 1,613,958 alleles (0.00037%); highest among the groups gnomAD compares: Non-Finnish European, 0.00051%; no homozygotes.

Submission:

Labcorp Genetics (formerly Invitae), Labcorp
Classification: Pathogenic for Fanconi anemia. Last evaluated: 2022-02-20. Review status: criteria provided, single submitter. Criteria: Invitae Variant Classification Sherloc (09022015). Collection method: clinical testing. Allele origin: germline.
Comment: This variant has not been reported in the literature in individuals affected with FANCM-related conditions. This variant is not present in population databases (gnomAD no frequency). This sequence change creates a premature translational stop signal (p.Leu1094*) in the FANCM gene. It is expected to result in an absent or disrupted protein product. Loss-of-function variants in FANCM are known to be pathogenic (PMID: 29895858, 30075111). ClinVar contains an entry for this variant (Variation ID: 577433). For these reasons, this variant has been classified as Pathogenic.

Literature cited by the submitters: PubMed 29895858; PubMed 30075111.